The following is an entry in ClinVar:

ClinVar aggregate classification (germline): Conflicting classifications of pathogenicity. Review status: criteria provided, conflicting classifications (1 of 4 stars). 2 submissions from 2 submitters: Uncertain significance (1); Likely benign (1). Last evaluated 2024-02-17.

Conditions:
Hyperkalemic periodic paralysis. Also called: Familial hyperkalemic periodic paralysis; Gamstorp disease. Identifiers: Orphanet 682, MedGen C0238357, MONDO:0008224, OMIM 170500, HP:0007215.

Submissions (2):

Labcorp Genetics (formerly Invitae), Labcorp
Classification: Likely benign for Hyperkalemic periodic paralysis. Last evaluated: 2024-02-17. Review status: criteria provided, single submitter. Criteria: Invitae Variant Classification Sherloc (09022015). Collection method: clinical testing. Allele origin: germline.

Athena Diagnostics
Classification: Uncertain significance. Last evaluated: 2022-11-21. Review status: criteria provided, single submitter. Criteria: Athena Diagnostics Criteria. Collection method: clinical testing. Allele origin: unknown.
Comment: Available data are insufficient to determine the clinical significance of the variant at this time. This variant has not been reported in large, multi-ethnic general populations. Computational tools yielded predictions that this variant is unlikely to have an effect on normal RNA splicing.

NM_000334.4(SCN4A):c.3696G>A (p.Leu1232=)

Genes: GH-LCR (growth hormone locus control region; plus strand), SCN4A (sodium voltage-gated channel alpha subunit 4; minus strand). Cytogenetic location: 17q23.3.
Variant type: single nucleotide variant.
Coding change: c.3696G>A on transcript NM_000334.4 (MANE Select); coding-DNA position 3696, G replaced by A.
Protein change: p.Leu1232=; no amino-acid change (leucine 1232 retained).
Molecular consequence: synonymous variant.
Genome position (GRCh38, 1-based): chr17:63,945,384, C>T on the plus strand (G>A on the coding strand, the complement: SCN4A is on the minus strand). VCF-style: chr17-63945384-C-T. GRCh37 (hg19) VCF-style: chr17-62022744-C-T.
Identifiers: ClinVar variation 1418261 (VCV001418261.7), dbSNP rs2144779293, ClinGen allele CA501348599.
Genomic context (GRCh38, chr17:63,945,384, plus strand): 5'-TCCAGGTTCCCGGCAGGGGTGGTGGGTCACACTCACCACCTGCAGGAGGGAGAGGTAGCC[C>T]AGACCCACGTTGTCGTAGTTGACCTTGACATTGAGCCAGCGGACCTGGCCTGTGTGCATG-3'
Protein context (NP_000325.4, residues 1222-1242): NVKVNYDNVG[Leu1232=]GYLSLLQVAT